The following is an entry in ClinVar:

NM_002878.4(RAD51D):c.166G>A (p.Val56Met)

Genes: RAD51L3-RFFL (RAD51L3-RFFL readthrough; minus strand), RAD51D (RAD51 paralog D; minus strand). Cytogenetic location: 17q12.
Variant type: single nucleotide variant.
Coding change: c.166G>A on transcript NM_002878.4 (MANE Select); coding-DNA position 166, G replaced by A.
Protein change: p.Val56Met; replaces valine 56 with methionine.
Molecular consequence: missense variant. On other transcripts: intron variant (2).
Genome position (GRCh38, 1-based): chr17:35,118,598, C>T on the plus strand (G>A on the coding strand, the complement: RAD51D is on the minus strand). VCF-style: chr17-35118598-C-T. GRCh37 (hg19) VCF-style: chr17-33445617-C-T.
Other names: c.144+513G>A (NM_133629.3, NM_001142571.2); short protein forms V56M.
Identifiers: ClinVar variation 3661514 (VCV003661514.2).

ClinVar aggregate classification (germline): Uncertain significance (1 of 4 stars; one submission).

Conditions:
Breast-ovarian cancer, familial, susceptibility to, 4. Identifiers: Orphanet 145, MedGen C3280345, MONDO:0013669, OMIM 614291.

gnomAD v4.1: 1 of 1,614,214 alleles (0.000062%); highest among the groups gnomAD compares: South Asian, 0.0011%; no homozygotes.

Submission:

Labcorp Genetics (formerly Invitae), Labcorp
Classification: Uncertain significance for Breast-ovarian cancer, familial, susceptibility to, 4. Last evaluated: 2024-08-06. Review status: criteria provided, single submitter. Criteria: Invitae Variant Classification Sherloc (09022015). Collection method: clinical testing. Allele origin: germline.
Comment: This sequence change replaces valine, which is neutral and non-polar, with methionine, which is neutral and non-polar, at codon 56 of the RAD51D protein (p.Val56Met). This variant is not present in population databases (gnomAD no frequency). This variant has not been reported in the literature in individuals affected with RAD51D-related conditions. Advanced modeling of protein sequence and biophysical properties (such as structural, functional, and spatial information, amino acid conservation, physicochemical variation, residue mobility, and thermodynamic stability) has been performed at Invitae for this missense variant, however the output from this modeling did not meet the statistical confidence thresholds required to predict the impact of this variant on RAD51D protein function. In summary, the available evidence is currently insufficient to determine the role of this variant in disease. Therefore, it has been classified as a Variant of Uncertain Significance.